The following is an entry in ClinVar:

NM_005186.4(CAPN1):c.1567G>T (p.Glu523Ter)

Gene: CAPN1 (calpain 1; plus strand). Cytogenetic location: 11q13.1.
Variant type: single nucleotide variant.
Coding change: c.1567G>T on transcript NM_005186.4 (MANE Select); coding-DNA position 1567, G replaced by T.
Protein change: p.Glu523Ter; replaces glutamic acid 523 with a stop codon.
Molecular consequence: nonsense. On other transcripts: non-coding transcript variant (1).
Genome position (GRCh38, 1-based): chr11:65,206,781, G>T. VCF-style: chr11-65206781-G-T. GRCh37 (hg19) VCF-style: chr11-64974252-G-T.
Other names: c.1567G>T, p.Glu523Ter (NM_001198868.2, NM_001198869.2); c.1405G>T, p.Glu469Ter (NM_001198870.1); short protein forms E469*, E523*.
Identifiers: ClinVar variation 2570801 (VCV002570801.27), dbSNP rs2539312667, ClinGen allele CA381252315.

ClinVar aggregate classification (germline): Pathogenic (1 of 4 stars; one submission).

gnomAD v4.1: 2 of 1,612,834 alleles (0.00012%); highest among the groups gnomAD compares: Non-Finnish European, 0.00017%; no homozygotes.

Submission:

CeGaT Center for Human Genetics Tuebingen
Classification: Pathogenic. Last evaluated: 2023-06-01. Review status: criteria provided, single submitter. Criteria: CeGaT Center For Human Genetics Tuebingen Variant Classification Criteria Version 2. Collection method: clinical testing. Allele origin: germline. Affected: yes. Observed: 1 variant allele.
Comment: CAPN1: PVS1, PM2